The following is an entry in ClinVar:

NM_001267550.2(TTN):c.95721dup (p.Tyr31908fs)

Genes: TTN (titin; minus strand), TTN-AS1 (TTN antisense RNA 1; plus strand). Cytogenetic location: 2q31.2.
Variant type: Duplication.
Coding change: c.95721dup on transcript NM_001267550.2 (MANE Select); coding-DNA position 95721, one base duplicated (A; older notation c.95721dupA).
Protein change: p.Tyr31908fs; shifts the reading frame from tyrosine 31908.
Molecular consequence: frameshift variant.
Genome position (GRCh38, 1-based): chr2:178,545,389, T duplicated on the plus strand (A on the coding strand, the reverse complement: TTN is on the minus strand). VCF-style (leftmost placement, unchanged base first): chr2-178545388-A-AT. GRCh37 (hg19) VCF-style: chr2-179410115-A-AT.
Other names: c.90798dup, p.Tyr30267fs (NM_001256850.1); c.68526dup, p.Tyr22843fs (NM_003319.4); c.88017dup, p.Tyr29340fs (NM_133378.4); c.68901dup, p.Tyr22968fs (NM_133432.3); c.69102dup, p.Tyr23035fs (NM_133437.4); c.68526dupA (NM_003319.4); short protein forms Y30267fs, Y22843fs, Y29340fs, Y22968fs, Y23035fs, Y31908fs.
Identifiers: ClinVar variation 4615383 (VCV004615383.1).

ClinVar aggregate classification (germline): Likely pathogenic (1 of 4 stars; one submission).

Conditions:
Cardiovascular phenotype. Identifiers: MedGen CN230736.

Submission:

Ambry Genetics
Classification: Likely pathogenic for Cardiovascular phenotype. Last evaluated: 2025-12-10. Review status: criteria provided, single submitter. Criteria: Ambry Variant Classification Scheme 2023. Collection method: clinical testing. Allele origin: germline.
Comment: The c.68526dupA variant, located in coding exon 171 of the TTN gene, results from a duplication of A at nucleotide position 68526, causing a translational frameshift with a predicted alternate stop codon (p.Y22843Ifs*20). This exon is located in the A-band region of the N2-B isoform of the titin protein and is constitutively expressed in TTN transcripts (percent spliced in or PSI 100%). This variant was reported in individual(s) with features consistent with dilated cardiomyopathy (Ambry internal data). This variant is considered to be rare based on population cohorts in the Genome Aggregation Database (gnomAD). This variant is expected to result in loss of function by premature protein truncation or nonsense-mediated mRNA decay. While truncating variants in TTN are present in 1-3% of the general population, truncating variants in the A-band are the most common cause of dilated cardiomyopathy (Herman DS et al. N. Engl. J. Med., 2012 Feb;366:619-28; Roberts AM et al. Sci Transl Med, 2015 Jan;7:270ra6). TTN truncating variants encoded in constitutive exons (PSI >90%) have been found to be significantly associated with DCM regardless of their position in titin (Schafer S et al. Nat. Genet., 2017 01;49:46-53; Akhtar MM et al. Circ Heart Fail, 2020 Oct;13:e006832; Massier M et al. Clin Genet, 2025 Jan). Based on the majority of available evidence to date, this variant is likely to be pathogenic.